The following is an entry in ClinVar:

NM_007194.3(CHEK2):c.(?_-1)_(*1_?)dup

Gene: CHEK2 (checkpoint kinase 2; minus strand). Cytogenetic location: 22q12.1.
Variant type: Duplication.
Coding change: c.(?_-1)_(*1_?)dup on transcript NM_007194.3; a large duplication whose breakpoints are not mapped to the base.
Identifiers: ClinVar variation 216638 (VCV000216638.2).

ClinVar aggregate classification (germline): Uncertain significance (1 of 4 stars; one submission).

Conditions:
Familial cancer of breast. Also called: Hereditary breast cancer; BREAST CANCER, FAMILIAL; hereditary breast carcinoma. Identifiers: Orphanet 227535, MedGen C0346153, MONDO:0016419, OMIM 114480. Disease mechanism: loss of function.

Submission:

Labcorp Genetics (formerly Invitae), Labcorp
Classification: Uncertain significance for Familial cancer of breast. Last evaluated: 2015-04-22. Review status: criteria provided, single submitter. Criteria: Invitae Variant Classification Sherloc (09022015). Collection method: clinical testing. Allele origin: germline.
Comment: A gross duplication of the genomic region encompassing the full coding sequence of the CHEK2 gene has been identified. This duplication extends to both edges of the assayed region, and the 5' and 3' boundaries of this event are not known. While the exact position of the duplicated exons cannot be determined from this data, the most likely explanation is that it occurs in tandem. Although this particular variant has not been reported in the literature, a duplication of exons 6-13 in CHEK2 has been reported in a large family with a history of breast cancer. Of four family members affected with breast cancer, two individuals were tested for and confirmed to carry the duplication (PMID: 24986639). However, the clinical and functional significance of a whole gene duplication of CHEK2 in this patient is not known. For these reasons, this variant has been classified as a Variant of Uncertain Significance.